The following is an entry in ClinVar:

ClinVar aggregate classification (germline): Uncertain significance. Review status: criteria provided, multiple submitters, no conflicts (2 of 4 stars). 3 submissions from 3 submitters: Uncertain significance (3). Last evaluated 2026-02-04.

Conditions:
Inborn genetic diseases. Identifiers: MedGen C0950123, MeSH D030342.
Growth delay due to insulin-like growth factor I resistance. Also called: Insulin-Like Growth Factor I Resistance; Somatomedin end-organ insensitivity to; Somatomedin-c resistance to; IGF-1 resistance; IGF-I RESISTANCE. Identifiers: Orphanet 73273, MedGen C1849157, MONDO:0010038, OMIM 270450.

Allele frequency attached by ClinVar (database versions not stated): gnomAD 0.00001; gnomAD exomes 0.00001 and 0.00004; ExAC 0.00002; ESP Exome Variant Server 0.00008.
gnomAD v4.1: 14 of 1,614,036 alleles (0.00087%); highest among the groups gnomAD compares: Middle Eastern, 0.033%; 1 homozygote.

Submissions (3):

Ambry Genetics
Classification: Uncertain significance for Inborn genetic diseases. Last evaluated: 2026-02-04. Review status: criteria provided, single submitter. Criteria: Ambry Variant Classification Scheme 2023. Collection method: clinical testing. Allele origin: germline.
Comment: The c.3685G>A (p.G1229S) alteration is located in exon 20 (coding exon 20) of the IGF1R gene. This alteration results from a G to A substitution at nucleotide position 3685, causing the glycine (G) at amino acid position 1229 to be replaced by a serine (S). Based on data from gnomAD, the A allele has an overall frequency of 0.004% (10/251458) total alleles studied. Based on insufficient or conflicting evidence, the clinical significance of this alteration remains unclear.

Labcorp Genetics (formerly Invitae), Labcorp
Classification: Uncertain significance. Last evaluated: 2022-06-13. Review status: criteria provided, single submitter. Criteria: Invitae Variant Classification Sherloc (09022015). Collection method: clinical testing. Allele origin: germline.
Comment: In summary, the available evidence is currently insufficient to determine the role of this variant in disease. Therefore, it has been classified as a Variant of Uncertain Significance. This sequence change replaces glycine, which is neutral and non-polar, with serine, which is neutral and polar, at codon 1229 of the IGF1R protein (p.Gly1229Ser). This variant is present in population databases (rs368518102, gnomAD 0.01%). This variant has not been reported in the literature in individuals affected with IGF1R-related conditions. Algorithms developed to predict the effect of missense changes on protein structure and function (SIFT, PolyPhen-2, Align-GVGD) all suggest that this variant is likely to be disruptive.

Juno Genomics, Hangzhou Juno Genomics, Inc
Classification: Uncertain significance for Growth delay due to insulin-like growth factor I resistance. Review status: criteria provided, single submitter. Criteria: ACMG Guidelines, 2015. Collection method: clinical testing. Allele origin: germline.
Comment: Absent from controls (or at extremely low frequency if recessive) in Genome Aggregation Database.;Missense variant in a gene that has a low rate of benign missense variation.;Multiple lines of computational evidence support a deleterious effect on the gene or gene product.

NM_000875.5(IGF1R):c.3685G>A (p.Gly1229Ser)

Gene: IGF1R (insulin like growth factor 1 receptor; plus strand). Cytogenetic location: 15q26.3.
Variant type: single nucleotide variant.
Coding change: c.3685G>A on transcript NM_000875.5 (MANE Select); coding-DNA position 3685, G replaced by A.
Protein change: p.Gly1229Ser; replaces glycine 1229 with serine.
Molecular consequence: missense variant.
Genome position (GRCh38, 1-based): chr15:98,948,671, G>A. VCF-style: chr15-98948671-G-A. GRCh37 (hg19) VCF-style: chr15-99491900-G-A.
Other names: c.3682G>A, p.Gly1228Ser (NM_001291858.2); c.3685G>A (NM_000875.3); short protein forms G1229S, G1228S.
Identifiers: ClinVar variation 1489752 (VCV001489752.12), dbSNP rs368518102, ClinGen allele CA7752754.